The following is an entry in ClinVar:

NM_001244008.2(KIF1A):c.4520G>A (p.Arg1507Gln)

Gene: KIF1A (kinesin family member 1A; minus strand). Cytogenetic location: 2q37.3.
Variant type: single nucleotide variant.
Coding change: c.4520G>A on transcript NM_001244008.2 (MANE Select); coding-DNA position 4520, G replaced by A.
Protein change: p.Arg1507Gln; replaces arginine 1507 with glutamine.
Molecular consequence: missense variant.
Genome position (GRCh38, 1-based): chr2:240,722,601, C>T on the plus strand (G>A on the coding strand, the complement: KIF1A is on the minus strand). VCF-style: chr2-240722601-C-T. GRCh37 (hg19) VCF-style: chr2-241662018-C-T.
Other names: c.4244G>A, p.Arg1415Gln (NM_001320705.2, NM_001379649.1); c.4271G>A, p.Arg1424Gln (NM_001330289.2); c.4319G>A, p.Arg1440Gln (NM_001330290.2, NM_001379648.1); c.4595G>A, p.Arg1532Gln (NM_001379631.1); c.4496G>A, p.Arg1499Gln (NM_001379632.1); c.4493G>A, p.Arg1498Gln (NM_001379633.1, NM_001379645.1); c.4346G>A, p.Arg1449Gln (NM_001379634.1); c.4343G>A, p.Arg1448Gln (NM_001379635.1, NM_001379646.1); and 7 more; short protein forms R1406Q, R1507Q, R1440Q, R1415Q, R1424Q, R1405Q, R1414Q, R1423Q.
Identifiers: ClinVar variation 624188 (VCV000624188.53), dbSNP rs750045020, ClinGen allele CA2207395.
Genomic context (GRCh38, chr2:240,722,601, plus strand): 5'-GAGGAGCCATGGGACTCAGAGTCCTCGCTGAAGGCCGGGGACAGTGCCTCCGGGACAGGC[C>T]GCTGGGCGGTCTCCAGCTTCTCCCGCAGGAGCAGGTAGTGCCTAGTCTTCTCCACCTTCA-3'
Protein context (NP_001230937.1, residues 1497-1517): LLREKLETAQ[Arg1507Gln]PVPEALSPAF

ClinVar aggregate classification (germline): Conflicting classifications of pathogenicity. Review status: criteria provided, conflicting classifications (1 of 4 stars). 3 submissions from 3 submitters: Uncertain significance (2); Benign (1). Last evaluated 2025-09-23.

Conditions:
Hereditary spastic paraplegia 30. Identifiers: Orphanet 101010, MedGen C5235139, MONDO:0012476.
Neuropathy, hereditary sensory, type 2C. Also called: Hereditary sensory and autonomic neuropathy type IIC; KIF1A-Related HSAN2 (HSAN2C). Identifiers: Orphanet 970, MedGen C3280168, MONDO:0013634, OMIM 614213.
Intellectual disability, autosomal dominant 9 (NESCAVS). Also called: KIF1A-Related Neurodevelopmental Disorder; NESCAV SYNDROME. Identifiers: Orphanet 662367, MedGen C5393830, MONDO:0013656, OMIM 614255.
Inborn genetic diseases. Identifiers: MedGen C0950123, MeSH D030342.

Allele frequency attached by ClinVar (database versions not stated): ExAC below 0.00001; gnomAD exomes 0.00001; TOPMed 0.00003; gnomAD 0.00004.
gnomAD v4.1: 14 of 1,564,534 alleles (0.00089%); highest among the groups gnomAD compares: African/African-American, 0.0054%; no homozygotes.

Submissions (3):

Labcorp Genetics (formerly Invitae), Labcorp
Classification: Benign for Hereditary spastic paraplegia 30; Neuropathy, hereditary sensory, type 2C; Intellectual disability, autosomal dominant 9. Last evaluated: 2025-09-23. Review status: criteria provided, single submitter. Criteria: Invitae Variant Classification Sherloc (09022015). Collection method: clinical testing. Allele origin: germline.

Ambry Genetics
Classification: Uncertain significance for Inborn genetic diseases. Last evaluated: 2020-03-09. Review status: criteria provided, single submitter. Criteria: Ambry Variant Classification Scheme 2023. Collection method: clinical testing. Allele origin: germline.
Comment: The p.R1507Q variant (also known as c.4520G>A), located in coding exon 42 of the KIF1A gene, results from a G to A substitution at nucleotide position 4520. The arginine at codon 1507 is replaced by glutamine, an amino acid with highly similar properties. This amino acid position is not well conserved in available vertebrate species. In addition, this alteration is predicted to be tolerated by in silico analysis. Since supporting evidence is limited at this time, the clinical significance of this alteration remains unclear.

CeGaT Center for Human Genetics Tuebingen
Classification: Uncertain significance. Last evaluated: 2018-09-01. Review status: criteria provided, single submitter. Criteria: CeGaT Center For Human Genetics Tuebingen Variant Classification Criteria Version 2. Collection method: clinical testing. Allele origin: germline. Affected: yes. Observed: 1 variant allele.